The following is an entry in ClinVar:

ClinVar aggregate classification (germline): Likely benign (1 of 4 stars; one submission).

Allele frequency attached by ClinVar (database versions not stated): TOPMed 0.00020; 1000 Genomes Project 30x 0.00031; ESP Exome Variant Server 0.00031; gnomAD exomes 0.00033; 1000 Genomes Project 0.00040; gnomAD 0.00042; ExAC 0.00068.
gnomAD v4.1: 565 of 1,613,978 alleles (0.035%); highest among the groups gnomAD compares: East Asian, 0.033%; 1 homozygote.

Submission:

CeGaT Center for Human Genetics Tuebingen
Classification: Likely benign. Last evaluated: 2023-06-01. Review status: criteria provided, single submitter. Criteria: CeGaT Center For Human Genetics Tuebingen Variant Classification Criteria Version 2. Collection method: clinical testing. Allele origin: germline. Affected: yes. Observed: 1 variant allele.
Comment: LTBP1: BP4, BS1

NM_206943.4(LTBP1):c.3067G>A (p.Val1023Ile)

Gene: LTBP1 (latent transforming growth factor beta binding protein 1; plus strand). Cytogenetic location: 2p22.3.
Variant type: single nucleotide variant.
Coding change: c.3067G>A on transcript NM_206943.4 (MANE Select); coding-DNA position 3067, G replaced by A.
Protein change: p.Val1023Ile; replaces valine 1023 with isoleucine.
Molecular consequence: missense variant. On other transcripts: intron variant (2).
Genome position (GRCh38, 1-based): chr2:33,280,113, G>A. VCF-style: chr2-33280113-G-A. GRCh37 (hg19) VCF-style: chr2-33505180-G-A.
Other names: c.2089G>A, p.Val697Ile (NM_000627.4, NM_001166264.2, NM_001394912.1 and 1 more transcripts); c.1930G>A, p.Val644Ile (NM_001166265.2, NM_001166266.2, NM_001394925.1); c.2908G>A, p.Val970Ile (NM_001394905.1); c.2086G>A, p.Val696Ile (NM_001394906.1, NM_001394910.1, NM_001394919.1); c.2002G>A, p.Val668Ile (NM_001394907.1); c.1963G>A, p.Val655Ile (NM_001394909.1, NM_001394917.1); c.1960G>A, p.Val654Ile (NM_001394911.1); c.1927G>A, p.Val643Ile (NM_001394913.1, NM_001394921.1); and 6 more; short protein forms V1023I, V602I, V616I, V627I, V643I, V644I, V654I, V655I.
Identifiers: ClinVar variation 2571070 (VCV002571070.27), dbSNP rs150228403, ClinGen allele CA1607613.
Genomic context (GRCh38, chr2:33,280,113, plus strand): 5'-TTGAATCCAAGCACTTGTCCAGATGAGCAGTGTGTGAATTCTCCTGGATCTTACCAGTGC[G>A]TTCCCTGCACAGAAGGATTCCGAGGCTGGAATGGACAGTGCCTTGGTAGGTACTATAGTG-3'
Protein context (NP_996826.3, residues 1013-1033): CVNSPGSYQC[Val1023Ile]PCTEGFRGWN